The following is an entry in ClinVar:

NM_001349798.2(FBXW7):c.502-2527A>G

Gene: FBXW7 (F-box and WD repeat domain containing 7; minus strand). Cytogenetic location: 4q31.3.
Variant type: single nucleotide variant.
Coding change: c.502-2527A>G on transcript NM_001349798.2 (MANE Select); 2527 bases into the intron before coding-DNA position 502, A replaced by G.
Molecular consequence: intron variant. On other transcripts: missense variant (1).
Genome position (GRCh38, 1-based): chr4:152,352,651, T>C on the plus strand (A>G on the coding strand, the complement: FBXW7 is on the minus strand). VCF-style: chr4-152352651-T-C. GRCh37 (hg19) VCF-style: chr4-153273803-T-C.
Other names: c.80A>G, p.Asn27Ser (NM_018315.5); c.148-2527A>G (NM_001013415.2); c.502-2527A>G (NM_033632.3); short protein forms N27S.
Identifiers: ClinVar variation 3356575 (VCV003356575.1).
Genomic context (GRCh38, chr4:152,352,651, plus strand): 5'-TCAGGTAGGTATGTCACAGATTCTAATGTGGACATGCTCAGGCACGTCAGAAAAGGAAGA[T>C]TAGGGAGCAGAACCGGCAACAAAACTCCACAGTAAAGGCAAATGCAGCTCAGTATCAAAC-3'

ClinVar aggregate classification (germline): Uncertain significance (0 of 4 stars; one submission).

Conditions:
FBXW7-related disorder. Also called: FBXW7-related disorders; FBXW7-related condition.

Submission:

PreventionGenetics, part of Exact Sciences
Classification: Uncertain significance for FBXW7-related condition. Last evaluated: 2024-08-06. Review status: no assertion criteria provided. Collection method: clinical testing. Allele origin: germline.
Comment: The FBXW7 c.80A>G variant is predicted to result in the amino acid substitution p.Asn27Ser. To our knowledge, this variant has not been reported in the literature or in a large population database, indicating this variant is rare. At this time, the clinical significance of this variant is uncertain due to the absence of conclusive functional and genetic evidence.